The following is an entry in ClinVar:

NM_000368.5(TSC1):c.*1275T>G

Gene: TSC1 (TSC complex subunit 1; minus strand). Cytogenetic location: 9q34.13.
Variant type: single nucleotide variant.
Coding change: c.*1275T>G on transcript NM_000368.5 (MANE Select); 1275 bases downstream of the stop codon, T replaced by G.
Molecular consequence: 3 prime UTR variant.
Genome position (GRCh38, 1-based): chr9:132,894,960, A>C on the plus strand (T>G on the coding strand, the complement: TSC1 is on the minus strand). VCF-style: chr9-132894960-A-C. GRCh37 (hg19) VCF-style: chr9-135770347-A-C.
Other names: c.*1275T>G (NM_001162426.2, NM_001162427.2, NM_001362177.2).
Identifiers: ClinVar variation 365480 (VCV000365480.6), dbSNP rs2809244, ClinGen allele CA10633005.

ClinVar aggregate classification (germline): Benign. Review status: criteria provided, multiple submitters, no conflicts (2 of 4 stars). 3 submissions from 2 submitters: Benign (3). Last evaluated 2018-01-12.

Conditions:
Isolated focal cortical dysplasia type II (FCORD2). Also called: CORTICAL DYSPLASIA OF TAYLOR; Focal cortical dysplasia type II. Identifiers: Orphanet 268994, MedGen C1846385, MONDO:0011818, OMIM 607341, HP:0032051.
Tuberous sclerosis 1 (TSC1). Identifiers: Orphanet 805, MedGen C1854465, MONDO:0008612, OMIM 191100.

Allele frequency attached by ClinVar (database versions not stated): gnomAD exomes 0.73641; TOPMed 0.74294; gnomAD 0.74384; 1000 Genomes Project 0.74820; 1000 Genomes Project 30x 0.75141.
gnomAD v4.1: 172,093 of 231,700 alleles (74%); highest among the groups gnomAD compares: South Asian, 78%; 63,968 homozygotes.

Submissions (3):

Illumina Laboratory Services, Illumina
Classification: Benign for Isolated focal cortical dysplasia type II. Last evaluated: 2018-01-12. Review status: criteria provided, single submitter. Criteria: ICSL Variant Classification Criteria 13 December 2019. Collection method: clinical testing. Allele origin: germline.
Comment: This variant was observed in the ICSL laboratory as part of a predisposition screen in an ostensibly healthy population. It had not been previously curated by ICSL or reported in the Human Gene Mutation Database (HGMD: prior to June 1st, 2018), and was therefore a candidate for classification through an automated scoring system. Utilizing variant allele frequency, disease prevalence and penetrance estimates, and inheritance mode, an automated score was calculated to assess if this variant is too frequent to cause the disease. Based on the score and internal cut-off values, a variant classified as benign is not then subjected to further curation. The score for this variant resulted in a classification of benign for this disease.

Illumina Laboratory Services, Illumina
Classification: Benign for Tuberous sclerosis 1. Last evaluated: 2018-01-12. Review status: criteria provided, single submitter. Criteria: ICSL Variant Classification Criteria 13 December 2019. Collection method: clinical testing. Allele origin: germline.
Comment: the same text as in the submission from Illumina Laboratory Services, Illumina above.

Breakthrough Genomics
Classification: Benign. Review status: criteria provided, single submitter. Criteria: ACMG Guidelines, 2015. Collection method: not provided. Allele origin: germline. Inheritance: Autosomal dominant inheritance. Affected: yes.